The following is an entry in ClinVar:

ClinVar aggregate classification (germline): Pathogenic (1 of 4 stars; one submission).

Submission:

GeneDx
Classification: Pathogenic. Last evaluated: 2021-01-06. Review status: criteria provided, single submitter. Criteria: GeneDx Variant Classification (06012015). Collection method: clinical testing. Allele origin: germline. Affected: yes.
Comment: Not observed in large population cohorts (Lek et al., 2016). Frameshift variant predicted to result in protein truncation or nonsense mediated decay in a gene for which loss-of-function is a known mechanism of disease. We interpret c.2236_2237delGT as a pathogenic variant.

NM_020719.3(PRR12):c.2236_2237del (p.Val746fs)

Gene: PRR12 (proline rich 12; plus strand). Cytogenetic location: 19q13.33.
Variant type: Deletion.
Coding change: c.2236_2237del on transcript NM_020719.3 (MANE Select); coding-DNA positions 2236 to 2237, 2 bases deleted (GT; older notation c.2236_2237delGT).
Protein change: p.Val746fs; shifts the reading frame from valine 746.
Molecular consequence: frameshift variant.
Genome position (GRCh38, 1-based): chr19:49,596,571-49,596,572, GT deleted; deleting any 2 consecutive bases within chr19:49,596,570-49,596,572 gives the same sequence; the c. name uses the placement nearest the transcript's 3' end. VCF-style (leftmost placement, unchanged base first): chr19-49596569-CTG-C. GRCh37 (hg19) VCF-style: chr19-50099826-CTG-C.
Other names: short protein forms V746fs.
Identifiers: ClinVar variation 1013596 (VCV001013596.1), dbSNP rs2080770674, ClinGen allele CA2340486534.